The following is an entry in ClinVar:

ClinVar aggregate classification (germline): Likely pathogenic. Review status: criteria provided, multiple submitters, no conflicts (2 of 4 stars). 3 submissions from 3 submitters: Likely pathogenic (3). Last evaluated 2026-04-07.

Conditions:
USH2A-related disorder. Also called: USH2A-related condition; USH2A-related disorders. Identifiers: MedGen CN239332.
Usher syndrome. Also called: Usher's syndrome; Usher Syndromes. Identifiers: Orphanet 886, MedGen CN469326, MeSH D052245, MONDO:0019501. Disease mechanism: loss of function.

Allele frequency attached by ClinVar (database versions not stated): gnomAD exomes below 0.00001; ExAC 0.00001.
gnomAD v4.1: 1 of 1,612,212 alleles (0.000062%); highest among the groups gnomAD compares: African/African-American, 0.0013%; no homozygotes.

Submissions (3):

PreventionGenetics, part of Exact Sciences
Classification: Likely pathogenic for USH2A-related condition. Last evaluated: 2026-04-07. Review status: criteria provided, single submitter. Criteria: ACMG Guidelines, 2015. Collection method: clinical testing. Allele origin: germline.
Comment: The USH2A c.9388T>C variant is predicted to result in the amino acid substitution p.Trp3130Arg. This variant has been reported in individuals with USH2A-related retinal disease (Pérez-Carro et al. 2018. PubMed ID: 29912909; Table S1, Reurink et al. 2021. PubMed ID: 34203967). This variant is reported in 0.0062% of alleles in individuals of African descent in gnomAD. This variant is interpreted as likely pathogenic.

Women's Health and Genetics/Laboratory Corporation of America, LabCorp
Classification: Likely pathogenic for Usher syndrome. Last evaluated: 2026-01-09. Review status: criteria provided, single submitter. Criteria: LabCorp Variant Classification Summary - May 2015. Collection method: clinical testing. Allele origin: germline.
Comment: Variant summary: USH2A c.9388T>C (p.Trp3130Arg) results in a non-conservative amino acid change in the encoded protein sequence. Algorithms developed to predict the effect of missense changes on protein structure and function all suggest that this variant is likely to be disruptive. The variant allele was found at a frequency of 4e-06 in 249636 control chromosomes. c.9388T>C has been observed in at least one compound heterozygous individual affected with Usher Syndrome (e.g. Griffith_2022). To our knowledge, no experimental evidence demonstrating an impact on protein function has been reported. Multiple variants located at the same codon (c.9389G>T, p.Trp3130Leu; c.9388T>G, p.Trp3130Gly) have been classified as Likely pathogenic/Pathogenic in ClinVar, supporting a critical relevance of this residue to USH2A protein function. The following publication has been ascertained in the context of this evaluation (PMID: 36011402). ClinVar contains an entry for this variant (Variation ID: 1046614). Based on the evidence outlined above, the variant was classified as likely pathogenic.

Labcorp Genetics (formerly Invitae), Labcorp
Classification: Likely pathogenic. Last evaluated: 2024-10-16. Review status: criteria provided, single submitter. Criteria: Invitae Variant Classification Sherloc (09022015). Collection method: clinical testing. Allele origin: germline.
Comment: This sequence change replaces tryptophan, which is neutral and slightly polar, with arginine, which is basic and polar, at codon 3130 of the USH2A protein (p.Trp3130Arg). This variant is present in population databases (rs773132672, gnomAD 0.007%). This variant has not been reported in the literature in individuals affected with USH2A-related conditions. ClinVar contains an entry for this variant (Variation ID: 1046614). Invitae Evidence Modeling of protein sequence and biophysical properties (such as structural, functional, and spatial information, amino acid conservation, physicochemical variation, residue mobility, and thermodynamic stability) indicates that this missense variant is expected to disrupt USH2A protein function with a positive predictive value of 95%. This variant disrupts the p.Trp3130 amino acid residue in USH2A. Other variant(s) that disrupt this residue have been determined to be pathogenic (PMID: 29912909, 34203967; internal data). This suggests that this residue is clinically significant, and that variants that disrupt this residue are likely to be disease-causing. In summary, the currently available evidence indicates that the variant is pathogenic, but additional data are needed to prove that conclusively. Therefore, this variant has been classified as Likely Pathogenic.

Literature cited by the submitters: PubMed 36011402 (cited by Women's Health and Genetics/Laboratory Corporation of America, LabCorp); PubMed 29912909 (cited by Labcorp Genetics (formerly Invitae), Labcorp); PubMed 34203967 (cited by Labcorp Genetics (formerly Invitae), Labcorp).

NM_206933.4(USH2A):c.9388T>C (p.Trp3130Arg)

Gene: USH2A (usherin; minus strand). Cytogenetic location: 1q41.
Variant type: single nucleotide variant.
Coding change: c.9388T>C on transcript NM_206933.4 (MANE Select); coding-DNA position 9388, T replaced by C.
Protein change: p.Trp3130Arg; replaces tryptophan 3130 with arginine.
Molecular consequence: missense variant.
Genome position (GRCh38, 1-based): chr1:215,817,179, A>G on the plus strand (T>C on the coding strand, the complement: USH2A is on the minus strand). VCF-style: chr1-215817179-A-G. GRCh37 (hg19) VCF-style: chr1-215990521-A-G.
Other names: c.9388T>C (NM_206933.2); short protein forms W3130R.
Identifiers: ClinVar variation 1046614 (VCV001046614.10), dbSNP rs773132672, ClinGen allele CA1394325.